The following is an entry in ClinVar:

ClinVar aggregate classification (germline): Pathogenic/Likely pathogenic. Review status: criteria provided, multiple submitters, no conflicts (2 of 4 stars). 2 submissions from 2 submitters: Pathogenic (1); Likely pathogenic (1). Last evaluated 2022-09-24.

Conditions:
NRL-related disorders.

Submissions (2):

Labcorp Genetics (formerly Invitae), Labcorp
Classification: Pathogenic. Last evaluated: 2022-09-24. Review status: criteria provided, single submitter. Criteria: Invitae Variant Classification Sherloc (09022015). Collection method: clinical testing. Allele origin: germline.
Comment: For these reasons, this variant has been classified as Pathogenic. This sequence change replaces proline, which is neutral and non-polar, with threonine, which is neutral and polar, at codon 51 of the NRL protein (p.Pro51Thr). This variant is not present in population databases (gnomAD no frequency). This missense change has been observed in individuals with clinical features of autosomal dominant retinitis pigmentosa (PMID: 11879142; Invitae). It has also been observed to segregate with disease in related individuals. ClinVar contains an entry for this variant (Variation ID: 938373). Algorithms developed to predict the effect of missense changes on protein structure and function are either unavailable or do not agree on the potential impact of this missense change (SIFT: "Deleterious"; PolyPhen-2: "Probably Damaging"; Align-GVGD: "Class C0"). Experimental studies have shown that this missense change affects NRL function (PMID: 17335001). Algorithms developed to predict the effect of sequence changes on RNA splicing suggest that this variant may disrupt the consensus splice site. This variant disrupts the p.Pro51 amino acid residue in NRL. Other variant(s) that disrupt this residue have been determined to be pathogenic (PMID: 11385710, 21981118). This suggests that this residue is clinically significant, and that variants that disrupt this residue are likely to be disease-causing.

Blueprint Genetics
Classification: Likely pathogenic for NRL-related disorders. Last evaluated: 2019-11-22. Review status: criteria provided, single submitter. Criteria: ACMG Guidelines, 2015. Collection method: clinical testing. Allele origin: germline. Affected: yes. Observed: 1 variant allele.

Literature cited by the submitters: PubMed 11879142 (cited by Labcorp Genetics (formerly Invitae), Labcorp); PubMed 17335001 (cited by Labcorp Genetics (formerly Invitae), Labcorp); PubMed 11385710 (cited by Labcorp Genetics (formerly Invitae), Labcorp); PubMed 21981118 (cited by Labcorp Genetics (formerly Invitae), Labcorp).

NM_001354768.3(NRL):c.151C>A (p.Pro51Thr)

Gene: NRL (neural retina leucine zipper; minus strand). Cytogenetic location: 14q11.2.
Variant type: single nucleotide variant.
Coding change: c.151C>A on transcript NM_001354768.3 (MANE Select); coding-DNA position 151, C replaced by A.
Protein change: p.Pro51Thr; replaces proline 51 with threonine.
Molecular consequence: missense variant. On other transcripts: intron variant (1).
Genome position (GRCh38, 1-based): chr14:24,082,698, G>T on the plus strand (C>A on the coding strand, the complement: NRL is on the minus strand). VCF-style: chr14-24082698-G-T. GRCh37 (hg19) VCF-style: chr14-24551907-G-T.
Other names: c.151C>A, p.Pro51Thr (NM_001354769.1, NM_006177.5); c.66+85C>A (NM_001354770.2); short protein forms P51T.
Identifiers: ClinVar variation 938373 (VCV000938373.10), dbSNP rs794727281, ClinGen allele CA389281606.